The following is an entry in ClinVar:

NM_001377304.1(GFI1B):c.577G>A (p.Ala193Thr)

Gene: GFI1B (growth factor independent 1B transcriptional repressor; plus strand). Cytogenetic location: 9q34.13.
Variant type: single nucleotide variant.
Coding change: c.577G>A on transcript NM_001377304.1 (MANE Select); coding-DNA position 577, G replaced by A.
Protein change: p.Ala193Thr; replaces alanine 193 with threonine.
Molecular consequence: missense variant. On other transcripts: intron variant (2).
Genome position (GRCh38, 1-based): chr9:132,989,127, G>A. VCF-style: chr9-132989127-G-A. GRCh37 (hg19) VCF-style: chr9-135864514-G-A.
Other names: c.577G>A, p.Ala193Thr (NM_001371908.1, NM_004188.8); c.511-615G>A (NM_001135031.2, NM_001377305.1); c.577G>A (NM_004188.6); short protein forms A193T.
Identifiers: ClinVar variation 2362708 (VCV002362708.4), dbSNP rs766382842, ClinGen allele CA5302000.

ClinVar aggregate classification (germline): Conflicting classifications of pathogenicity. Review status: criteria provided, conflicting classifications (1 of 4 stars). 3 submissions from 3 submitters: Uncertain significance (2); Likely benign (1). Last evaluated 2025-07-23.

Conditions:
GFI1B-related disorder. Also called: GFI1B-related condition.
Inborn genetic diseases. Identifiers: MedGen C0950123, MeSH D030342.

Allele frequency attached by ClinVar (database versions not stated): gnomAD 0.00004; TOPMed 0.00007; ExAC 0.00014.
gnomAD v4.1: 65 of 1,613,782 alleles (0.004%); highest among the groups gnomAD compares: Admixed American, 0.082%; no homozygotes.

Submissions (3):

PreventionGenetics, part of Exact Sciences
Classification: Uncertain significance for GFI1B-related condition. Last evaluated: 2025-07-23. Review status: criteria provided, single submitter. Criteria: ACMG Guidelines, 2015. Collection method: clinical testing. Allele origin: germline.
Comment: The GFI1B c.577G>A variant is predicted to result in the amino acid substitution p.Ala193Thr. To our knowledge, this variant has not been reported in the literature. This variant is reported in 0.12% of alleles in individuals of Latino descent in gnomAD which may be too frequent for an unreported disease-causing variant. Although we suspect that this variant may be benign, at this time, the clinical significance of this variant is uncertain due to the absence of conclusive functional and genetic evidence.

Blueprint Genetics
Classification: Likely benign. Last evaluated: 2024-02-28. Review status: criteria provided, single submitter. Criteria: ACMG Guidelines, 2015. Collection method: clinical testing. Allele origin: germline.

Ambry Genetics
Classification: Uncertain significance for Inborn genetic diseases. Last evaluated: 2021-07-06. Review status: criteria provided, single submitter. Criteria: Ambry Variant Classification Scheme 2023. Collection method: clinical testing. Allele origin: germline.